The following is an entry in ClinVar:

NM_005502.4(ABCA1):c.5636+1G>A

Gene: ABCA1 (ATP binding cassette subfamily A member 1; minus strand). Cytogenetic location: 9q31.1.
Variant type: single nucleotide variant.
Coding change: c.5636+1G>A on transcript NM_005502.4 (MANE Select); the canonical splice donor site of the intron after coding-DNA position 5636, G replaced by A.
Molecular consequence: splice donor variant.
Genome position (GRCh38, 1-based): chr9:104,793,170, C>T on the plus strand (G>A on the coding strand, the complement: ABCA1 is on the minus strand). VCF-style: chr9-104793170-C-T. GRCh37 (hg19) VCF-style: chr9-107555451-C-T.
Identifiers: ClinVar variation 2627928 (VCV002627928.1), dbSNP rs908256532, ClinGen allele CA197357153.

ClinVar aggregate classification (germline): Pathogenic (1 of 4 stars; one submission).

Conditions:
ABCA1-related dyslipidemia.

Allele frequency attached by ClinVar (database versions not stated): TOPMed below 0.00001; gnomAD exomes 0.00001.
gnomAD v4.1: 12 of 1,614,030 alleles (0.00074%); highest among the groups gnomAD compares: Non-Finnish European, 0.001%; no homozygotes.

Submission:

Illumina Laboratory Services, Illumina
Classification: Pathogenic for ABCA1-related dyslipidemia. Last evaluated: 2023-06-23. Review status: criteria provided, single submitter. Criteria: ICSLVariantClassificationCriteria RUGD 01 April 2020. Collection method: clinical testing. Allele origin: unknown.
Comment: The ABCA1 c.5636+1G>A variant results in a substitution at the consensus splice donor site which may result in splicing defects. This variant has been identified in 12 individuals with significantly reduced serum apolipoprotein A levels (PMID: 34662886). This variant is not observed in version 2.1.1 or version 3.1.2 of the Genome Aggregation Database. Based on the available evidence, the c.5636+1G>A variant is classified as pathogenic for ABCA1-related dyslipidemia.